The following is an entry in ClinVar:

ClinVar aggregate classification (germline): Uncertain significance. Review status: criteria provided, multiple submitters, no conflicts (2 of 4 stars). 2 submissions from 2 submitters: Uncertain significance (2). Last evaluated 2025-03-13.

Conditions:
Inborn genetic diseases. Identifiers: MedGen C0950123, MeSH D030342.
Brachyolmia-amelogenesis imperfecta syndrome. Also called: Tooth agenesis, selective, 6; Dental anomalies and short stature; PLATYSPONDYLY WITH AMELOGENESIS IMPERFECTA. Identifiers: Orphanet 2899, MedGen C1832594, MONDO:0011018, OMIM 601216. Disease mechanism: loss of function.

Allele frequency attached by ClinVar (database versions not stated): gnomAD exomes 0.00001; gnomAD 0.00002.
gnomAD v4.1: 10 of 1,170,380 alleles (0.00085%); highest among the groups gnomAD compares: Middle Eastern, 0.032%; no homozygotes.

Submissions (2):

Labcorp Genetics (formerly Invitae), Labcorp
Classification: Uncertain significance for Brachyolmia-amelogenesis imperfecta syndrome. Last evaluated: 2025-03-13. Review status: criteria provided, single submitter. Criteria: Invitae Variant Classification Sherloc (09022015). Collection method: clinical testing. Allele origin: germline.
Comment: This sequence change replaces alanine, which is neutral and non-polar, with valine, which is neutral and non-polar, at codon 25 of the LTBP3 protein (p.Ala25Val). The frequency data for this variant in the population databases is considered unreliable, as metrics indicate poor data quality at this position in the gnomAD database. This variant has not been reported in the literature in individuals affected with LTBP3-related conditions. ClinVar contains an entry for this variant (Variation ID: 1759203). Experimental studies and prediction algorithms are not available or were not evaluated, and the functional significance of this variant is currently unknown. In summary, the available evidence is currently insufficient to determine the role of this variant in disease. Therefore, it has been classified as a Variant of Uncertain Significance.

Ambry Genetics
Classification: Uncertain significance for Inborn genetic diseases. Last evaluated: 2021-10-21. Review status: criteria provided, single submitter. Criteria: Ambry Variant Classification Scheme 2023. Collection method: clinical testing. Allele origin: germline.
Comment: The p.A25V variant (also known as c.74C>T), located in coding exon 1 of the LTBP3 gene, results from a C to T substitution at nucleotide position 74. The alanine at codon 25 is replaced by valine, an amino acid with similar properties. This amino acid position is conserved. In addition, this alteration is predicted to be tolerated by in silico analysis. Since supporting evidence is limited at this time, the clinical significance of this alteration remains unclear.

NM_001130144.3(LTBP3):c.74C>T (p.Ala25Val)

Gene: LTBP3 (latent transforming growth factor beta binding protein 3; minus strand). Cytogenetic location: 11q13.1.
Variant type: single nucleotide variant.
Coding change: c.74C>T on transcript NM_001130144.3 (MANE Select); coding-DNA position 74, C replaced by T.
Protein change: p.Ala25Val; replaces alanine 25 with valine.
Molecular consequence: missense variant. On other transcripts: 5 prime UTR variant (1).
Genome position (GRCh38, 1-based): chr11:65,557,886, G>A on the plus strand (C>T on the coding strand, the complement: LTBP3 is on the minus strand). VCF-style: chr11-65557886-G-A. GRCh37 (hg19) VCF-style: chr11-65325357-G-A.
Other names: c.-274C>T (NM_001164266.1); c.74C>T, p.Ala25Val (NM_021070.4); short protein forms A25V.
Identifiers: ClinVar variation 1759203 (VCV001759203.7), dbSNP rs1297967792, ClinGen allele CA381278677.
Genomic context (GRCh38, chr11:65,557,886, plus strand): 5'-GGCCCCCCCTCGACCCTGCCGCCCAGGCCCAGCAGCAGCAGCAGCAGCAGCAGCAGCAGC[G>A]CCAGCAGCCCCGCCGCCCCCGCCCCGCGCATCTCAGGGGCCAGGCCGCCAGCAGCCCCTC-3'
Protein context (NP_001123616.1, residues 15-35): MRGAGAAGLL[Ala25Val]LLLLLLLLLL